The following is an entry in ClinVar:

ClinVar aggregate classification (germline): Benign. Review status: criteria provided, multiple submitters, no conflicts (2 of 4 stars). 9 submissions from 9 submitters: Benign (6). 3 of the submissions do not count toward it. Last evaluated 2026-02-03.

Conditions:
Intellectual disability, CASK-related, X-linked. Identifiers: MedGen CN043158.

Allele frequency attached by ClinVar (database versions not stated): gnomAD exomes 0.00886 and 0.02471; ExAC 0.03565; gnomAD 0.08611 and 0.09241; 1000 Genomes Project 0.09139; 1000 Genomes Project 30x 0.09657; TOPMed 0.09872; ESP Exome Variant Server 0.10821.
gnomAD v4.1: 19,737 of 1,207,117 alleles (1.6%); highest among the groups gnomAD compares: African/African-American, 31%; 2,092 homozygotes.

Submissions (9):

Labcorp Genetics (formerly Invitae), Labcorp
Classification: Benign for Intellectual disability, CASK-related, X-linked. Last evaluated: 2026-02-03. Review status: criteria provided, single submitter. Criteria: Invitae Variant Classification Sherloc (09022015). Collection method: clinical testing. Allele origin: germline.

Mayo Clinic Laboratories, Mayo Clinic
Classification: Benign. Last evaluated: 2018-04-10. Review status: criteria provided, single submitter. Criteria: ACMG Guidelines, 2015. Collection method: clinical testing. Allele origin: germline. Observed: 43 variant alleles.

GeneDx
Classification: Benign. Last evaluated: 2014-01-13. Review status: criteria provided, single submitter. Criteria: GeneDx Variant Classification (06012015). Collection method: clinical testing. Allele origin: germline. Affected: yes.
Comment: This variant is considered likely benign or benign based on one or more of the following criteria: it is a conservative change, it occurs at a poorly conserved position in the protein, it is predicted to be benign by multiple in silico algorithms, and/or has population frequency not consistent with disease.

Genetic Services Laboratory, University of Chicago
Classification: Benign. Last evaluated: 2013-02-08. Review status: criteria provided, single submitter. Criteria: ACMG Guidelines, 2007. Collection method: clinical testing. Allele origin: germline. Inheritance: X-linked inheritance.

Eurofins Ntd Llc (ga)
Classification: Benign. Last evaluated: 2012-08-14. Review status: criteria provided, single submitter. Criteria: EGL Classification Definitions 2015. Collection method: clinical testing. Allele origin: germline. Observed: 3 variant alleles, 3 hemizygotes.

Breakthrough Genomics
Classification: Benign. Review status: criteria provided, single submitter. Criteria: ACMG Guidelines, 2015. Collection method: not provided. Allele origin: germline. Inheritance: X-linked inheritance. Affected: yes.

Clinical Genetics DNA and cytogenetics Diagnostics Lab, Erasmus MC, Erasmus Medical Center
Classification: Benign. Review status: no assertion criteria provided. Collection method: clinical testing. Allele origin: germline. Affected: yes. Study: VKGL Data-share Consensus. Not counted in ClinVar's aggregate classification.

Clinical Genetics, Academic Medical Center
Classification: Benign. Review status: no assertion criteria provided. Collection method: clinical testing. Allele origin: germline. Affected: yes. Study: VKGL Data-share Consensus. Not counted in ClinVar's aggregate classification.

Laboratory of Diagnostic Genome Analysis, Leiden University Medical Center (LUMC)
Classification: Likely benign. Review status: no assertion criteria provided. Collection method: clinical testing. Allele origin: germline. Affected: yes. Study: VKGL Data-share Consensus. Not counted in ClinVar's aggregate classification.

NM_001367721.1(CASK):c.1034-6C>T

Gene: CASK (calcium/calmodulin dependent serine protein kinase; minus strand). Cytogenetic location: Xp11.4.
Variant type: single nucleotide variant.
Coding change: c.1034-6C>T on transcript NM_001367721.1 (MANE Select); 6 bases into the intron before coding-DNA position 1034, C replaced by T.
Molecular consequence: intron variant.
Genome position (GRCh38, 1-based): chrX:41,610,031, G>A on the plus strand (C>T on the coding strand, the complement: CASK is on the minus strand). VCF-style: chrX-41610031-G-A. GRCh37 (hg19) VCF-style: chrX-41469284-G-A.
Other names: p.?; c.1016-6C>T (NM_001126055.3, NM_001410745.1); c.1034-6C>T (NM_001126054.3, NM_003688.4).
Identifiers: ClinVar variation 94374 (VCV000094374.26), dbSNP rs73470569, ClinGen allele CA147784.